The following is an entry in ClinVar:

ClinVar aggregate classification (germline): Uncertain significance (1 of 4 stars; one submission).

Submission:

GeneDx
Classification: Uncertain significance. Last evaluated: 2022-09-09. Review status: criteria provided, single submitter. Criteria: GeneDx Variant Classification Process June 2021. Collection method: clinical testing. Allele origin: germline. Affected: yes.
Comment: Not observed at significant frequency in large population cohorts (gnomAD); In silico analysis supports a deleterious effect on protein structure/function; Has not been previously published as pathogenic or benign to our knowledge

NM_133259.4(LRPPRC):c.2280_2282delinsAAT (p.His761Ile)

Gene: LRPPRC (leucine rich pentatricopeptide repeat containing; minus strand). Cytogenetic location: 2p21.
Variant type: Indel.
Coding change: c.2280_2282delinsAAT on transcript NM_133259.4 (MANE Select); coding-DNA positions 2280 to 2282, GCA replaced by AAT.
Protein change: p.His761Ile; replaces histidine 761 with isoleucine.
Molecular consequence: missense variant.
Genome position (GRCh38, 1-based): chr2:43,945,346-43,945,348, TGC replaced by ATT on the plus strand (GCA replaced by AAT on the coding strand, the reverse complement: LRPPRC is on the minus strand). VCF-style: chr2-43945346-TGC-ATT. GRCh37 (hg19) VCF-style: chr2-44172485-TGC-ATT.
Other names: short protein forms H761I.
Identifiers: ClinVar variation 2443545 (VCV002443545.1), dbSNP rs2466561492, ClinGen allele CA2580066501.
Genomic context (GRCh38, chr2:43,945,346, plus strand): 5'-GGCAAGATACTTGCATCACATATTTCCTTTATGTGCTGAGGCTTACCTTGGAGCTTGCCA[TGC>ATT]TTTGCCAATACTCTTACAAGGCCTACATACTTGCCGGTGTCAAGGACAGCAGATGAATCT-3'
Protein context (NP_573566.2, residues 751-771): YVGLVRVLAK[His761Ile]GKLQDAINIL